The following is an entry in ClinVar:

ClinVar aggregate classification (germline): Likely benign. Review status: criteria provided, multiple submitters, no conflicts (2 of 4 stars). 4 submissions from 4 submitters: Likely benign (4). Last evaluated 2024-07-30.

Conditions:
Cardiovascular phenotype. Identifiers: MedGen CN230736.
Arrhythmogenic right ventricular cardiomyopathy (ARVD). Also called: Arrhythmogenic cardiomyopathy; Cardiomyopathy, ARVC; Arrhythmogenic right ventricular dysplasia; Arrhythmogenic Right Ventricular Cardiomyopathy (ARVC). Identifiers: Orphanet 247, MedGen C0349788, MeSH D019571, MONDO:0016587. Disease mechanism: loss of function. Inheritance: Various modes of inheritance.
Cardiomyopathy (CMYO). Also called: Cardiomyopathies. Identifiers: Orphanet 167848, MedGen C0878544, MONDO:0004994, HP:0001638. Inheritance: Various modes of inheritance.
Arrhythmogenic right ventricular dysplasia 10. Also called: Arrhythmogenic Right Ventricular Dysplasia/Cardiomyopathy10; ARRHYTHMOGENIC RIGHT VENTRICULAR DYSPLASIA, FAMILIAL, 10; Arrhythmogenic right ventricular dysplasia/cardiomyopathy, type 10. Identifiers: MedGen C1857777, MONDO:0012434, OMIM 610193.

Submissions (4):

Labcorp Genetics (formerly Invitae), Labcorp
Classification: Likely benign for Arrhythmogenic right ventricular dysplasia 10. Last evaluated: 2024-07-30. Review status: criteria provided, single submitter. Criteria: Invitae Variant Classification Sherloc (09022015). Collection method: clinical testing. Allele origin: germline.

All of Us Research Program, National Institutes of Health
Classification: Likely benign for Arrhythmogenic right ventricular cardiomyopathy. Last evaluated: 2024-04-25. Review status: criteria provided, single submitter. Criteria: ACMG Guidelines, 2015. Collection method: clinical testing. Allele origin: germline. Inheritance: Autosomal dominant inheritance. Observed: 1 variant allele, 1 heterozygote.
Comment: This study involves interpretation of variants in research participants for the purpose of population health screening. Participant phenotype was not available at the time of variant classification. Additional details can be found in publication PMID: 35346344, PMCID: PMC8962531

Ambry Genetics
Classification: Likely benign for Cardiovascular phenotype. Last evaluated: 2023-12-10. Review status: criteria provided, single submitter. Criteria: Ambry Variant Classification Scheme 2023. Collection method: clinical testing. Allele origin: germline.

Color Diagnostics, LLC DBA Color Health
Classification: Likely benign for Cardiomyopathy. Last evaluated: 2019-01-11. Review status: criteria provided, single submitter. Criteria: ACMG Guidelines, 2015. Collection method: clinical testing. Allele origin: germline.

NM_001943.5(DSG2):c.435A>G (p.Leu145=)

Gene: DSG2 (desmoglein 2; plus strand). Cytogenetic location: 18q12.1.
Variant type: single nucleotide variant.
Coding change: c.435A>G on transcript NM_001943.5 (MANE Select); coding-DNA position 435, A replaced by G.
Protein change: p.Leu145=; no amino-acid change (leucine 145 retained).
Molecular consequence: synonymous variant.
Genome position (GRCh38, 1-based): chr18:31,521,155, A>G. VCF-style: chr18-31521155-A-G. GRCh37 (hg19) VCF-style: chr18-29101118-A-G.
Other names: c.435A>G (NM_001943.3).
Identifiers: ClinVar variation 922660 (VCV000922660.6), dbSNP rs2073125482, ClinGen allele CA503597214.